The following is an entry in ClinVar:

ClinVar aggregate classification (germline): Uncertain significance (1 of 4 stars; one submission).

Conditions:
Multiple endocrine neoplasia, type 1 (MEN1). Also called: MEN I; WERMER SYNDROME; Endocrine adenomatosis multiple; MEN 1; MEA I. Identifiers: Orphanet 652, MedGen C0025267, MeSH D018761, MONDO:0007540, OMIM 131100.

Submission:

Labcorp Genetics (formerly Invitae), Labcorp
Classification: Uncertain significance for Multiple endocrine neoplasia, type 1. Last evaluated: 2024-08-08. Review status: criteria provided, single submitter. Criteria: Invitae Variant Classification Sherloc (09022015). Collection method: clinical testing. Allele origin: germline.
Comment: This sequence change replaces glycine, which is neutral and non-polar, with serine, which is neutral and polar, at codon 401 of the MEN1 protein (p.Gly401Ser). This variant is not present in population databases (gnomAD no frequency). This variant has not been reported in the literature in individuals affected with MEN1-related conditions. Advanced modeling of protein sequence and biophysical properties (such as structural, functional, and spatial information, amino acid conservation, physicochemical variation, residue mobility, and thermodynamic stability) has been performed at Invitae for this missense variant, however the output from this modeling did not meet the statistical confidence thresholds required to predict the impact of this variant on MEN1 protein function. In summary, the available evidence is currently insufficient to determine the role of this variant in disease. Therefore, it has been classified as a Variant of Uncertain Significance.

NM_001370259.2(MEN1):c.1201G>A (p.Gly401Ser)

Gene: MEN1 (menin 1; minus strand). Cytogenetic location: 11q13.1.
Variant type: single nucleotide variant.
Coding change: c.1201G>A on transcript NM_001370259.2 (MANE Select); coding-DNA position 1201, G replaced by A.
Protein change: p.Gly401Ser; replaces glycine 401 with serine.
Molecular consequence: missense variant. On other transcripts: non-coding transcript variant (4), intron variant (1).
Genome position (GRCh38, 1-based): chr11:64,805,183, C>T on the plus strand (G>A on the coding strand, the complement: MEN1 is on the minus strand). VCF-style: chr11-64805183-C-T. GRCh37 (hg19) VCF-style: chr11-64572655-C-T.
Other names: c.1216G>A, p.Gly406Ser (NM_000244.4, NM_001407145.1, NM_130800.3 and 4 more transcripts); c.1327G>A, p.Gly443Ser (NM_001370251.2, NM_001407142.1, NM_001407143.1 and 1 more transcripts); c.1201G>A, p.Gly401Ser (NM_001370260.2, NM_001370261.2, NM_001407146.1 and 2 more transcripts); c.1096G>A, p.Gly366Ser (NM_001370262.2, NM_001370263.2, NM_001407148.1 and 1 more transcripts); c.1342G>A, p.Gly448Ser (NM_001407150.1); c.1222G>A, p.Gly408Ser (NM_001407151.1); c.1186-367G>A (NM_001407152.1); short protein forms G366S, G401S, G408S, G406S, G443S, G448S.
Identifiers: ClinVar variation 3634193 (VCV003634193.2).
Genomic context (GRCh38, chr11:64,805,183, plus strand): 5'-AGATGCCGTCGTAGAATCGCAGCAGGTGGGCGAAGCACTCAGGGTCCTGGAGGGCGGAAC[C>T]TTGGCTCTGGGTGCCCTGGACGAGGGGGAAGGGAGGGCACAGATCAGTCTCTTACTCACC-3'
Protein context (NP_001357188.2, residues 391-411): GEQSQGTQSQ[Gly401Ser]SALQDPECFA